The following is an entry in ClinVar:

NM_001098.3(ACO2):c.104G>C (p.Ser35Thr)

Gene: ACO2 (aconitase 2; plus strand). Cytogenetic location: 22q13.2.
Variant type: single nucleotide variant.
Coding change: c.104G>C on transcript NM_001098.3 (MANE Select); coding-DNA position 104, G replaced by C.
Protein change: p.Ser35Thr; replaces serine 35 with threonine.
Molecular consequence: missense variant.
Genome position (GRCh38, 1-based): chr22:41,499,793, G>C. VCF-style: chr22-41499793-G-C. GRCh37 (hg19) VCF-style: chr22-41895797-G-C.
Other names: short protein forms S35T.
Identifiers: ClinVar variation 1878536 (VCV001878536.1), dbSNP rs1338966991, ClinGen allele CA411711768.

ClinVar aggregate classification (germline): Uncertain significance (1 of 4 stars; one submission).

Conditions:
Infantile cerebellar-retinal degeneration (ICRD). Identifiers: Orphanet 313850, MedGen C3281192, MONDO:0013802, OMIM 614559.

Allele frequency attached by ClinVar (database versions not stated): gnomAD 0.00001; TOPMed 0.00001.
gnomAD v4.1: 2 of 1,614,000 alleles (0.00012%); highest among the groups gnomAD compares: African/African-American, 0.0013%; no homozygotes.

Submission:

Neuberg Centre For Genomic Medicine, NCGM
Classification: Uncertain significance for Infantile cerebellar-retinal degeneration. Review status: criteria provided, single submitter. Criteria: ACMG Guidelines, 2015. Collection method: clinical testing. Allele origin: germline. Affected: yes.
Comment: The missense variant p.S35T in ACO2 (NM_001098.3) has not been reported previously as a pathogenic variant nor as a benign variant, to our knowledge. The p.S35T variant is novel (not in any individuals) in gnomAD Exomes and is novel (not in any individuals) in 1000 Genomes. The p.S35T missense variant is predicted to be damaging by both SIFT and PolyPhen2. The serine residue at codon 35 of ACO2 is conserved in all mammalian species. The nucleotide c.104 in ACO2 is predicted conserved by GERP++ and PhyloP across 100 vertebrates. For these reasons, this variant has been classified as Uncertain Significance.